The following is an entry in ClinVar:

NM_024408.4(NOTCH2):c.2642C>T (p.Pro881Leu)

Gene: NOTCH2 (notch receptor 2; minus strand). Cytogenetic location: 1p12.
Variant type: single nucleotide variant.
Coding change: c.2642C>T on transcript NM_024408.4 (MANE Select); coding-DNA position 2642, C replaced by T.
Protein change: p.Pro881Leu; replaces proline 881 with leucine.
Molecular consequence: missense variant.
Genome position (GRCh38, 1-based): chr1:119,948,524, G>A on the plus strand (C>T on the coding strand, the complement: NOTCH2 is on the minus strand). VCF-style: chr1-119948524-G-A. GRCh37 (hg19) VCF-style: chr1-120491147-G-A.
Other names: p.Pro881Leu; c.2642C>T, p.Pro881Leu (NM_001200001.2); c.2642C>T (NM_024408.3); short protein forms P881L.
Identifiers: ClinVar variation 1693990 (VCV001693990.13), dbSNP rs782728045, ClinGen allele CA1040231.

ClinVar aggregate classification (germline): Conflicting classifications of pathogenicity. Review status: criteria provided, conflicting classifications (1 of 4 stars). 5 submissions from 5 submitters: Uncertain significance (4); Likely benign (1). Last evaluated 2024-12-02.

Conditions:
NOTCH2-related disorder. Also called: NOTCH2-related condition.
Inborn genetic diseases. Identifiers: MedGen C0950123, MeSH D030342.
Alagille syndrome due to a NOTCH2 point mutation. Also called: Alagille syndrome 2. Identifiers: Orphanet 261629, Orphanet 52, MedGen C1857761, MONDO:0012439, OMIM 610205.
Hajdu-Cheney syndrome (HJCYS). Also called: SERPENTINE FIBULA-POLYCYSTIC KIDNEY SYNDROME; Acroosteolysis dominant type; ACROOSTEOLYSIS WITH OSTEOPOROSIS AND CHANGES IN SKULL AND MANDIBLE. Identifiers: Orphanet 955, MedGen C0917715, MONDO:0007057, OMIM 102500.

Allele frequency attached by ClinVar (database versions not stated): gnomAD exomes 0.00001 and 0.00003; ExAC 0.00002; TOPMed 0.00003.
gnomAD v4.1: 8 of 1,614,128 alleles (0.0005%); highest among the groups gnomAD compares: Admixed American, 0.013%; no homozygotes.

Submissions (5):

Ambry Genetics
Classification: Likely benign for Inborn genetic diseases. Last evaluated: 2024-12-02. Review status: criteria provided, single submitter. Criteria: Ambry Variant Classification Scheme 2023. Collection method: clinical testing. Allele origin: germline.

Labcorp Genetics (formerly Invitae), Labcorp
Classification: Uncertain significance for Hajdu-Cheney syndrome. Last evaluated: 2024-07-22. Review status: criteria provided, single submitter. Criteria: Invitae Variant Classification Sherloc (09022015). Collection method: clinical testing. Allele origin: germline.
Comment: This sequence change replaces proline, which is neutral and non-polar, with leucine, which is neutral and non-polar, at codon 881 of the NOTCH2 protein (p.Pro881Leu). This variant is present in population databases (rs782728045, gnomAD 0.02%). This variant has not been reported in the literature in individuals affected with NOTCH2-related conditions. ClinVar contains an entry for this variant (Variation ID: 1693990). Advanced modeling of protein sequence and biophysical properties (such as structural, functional, and spatial information, amino acid conservation, physicochemical variation, residue mobility, and thermodynamic stability) performed at Invitae indicates that this missense variant is expected to disrupt NOTCH2 protein function with a positive predictive value of 80%. In summary, the available evidence is currently insufficient to determine the role of this variant in disease. Therefore, it has been classified as a Variant of Uncertain Significance.

Fulgent Genetics
Classification: Uncertain significance for Hajdu-Cheney syndrome; Alagille syndrome due to a NOTCH2 point mutation. Last evaluated: 2023-12-27. Review status: criteria provided, single submitter. Criteria: ACMG Guidelines, 2015. Collection method: clinical testing. Allele origin: germline.

PreventionGenetics, part of Exact Sciences
Classification: Uncertain significance for NOTCH2-related condition. Last evaluated: 2022-11-22. Review status: criteria provided, single submitter. Criteria: ACMG Guidelines, 2015. Collection method: clinical testing. Allele origin: germline.
Comment: The NOTCH2 c.2642C>T variant is predicted to result in the amino acid substitution p.Pro881Leu. To our knowledge, this variant has not been reported in the literature. This variant is reported in 0.023% of alleles in individuals of Latino descent in gnomAD. At this time, the clinical significance of this variant is uncertain due to the absence of conclusive functional and genetic evidence.

Mayo Clinic Laboratories, Mayo Clinic
Classification: Uncertain significance. Last evaluated: 2021-10-08. Review status: criteria provided, single submitter. Criteria: ACMG Guidelines, 2015. Collection method: clinical testing. Allele origin: germline.